The following is an entry in ClinVar:

NM_004725.4(BUB3):c.226G>T (p.Asp76Tyr)

Gene: BUB3 (BUB3 mitotic checkpoint protein; plus strand). Cytogenetic location: 10q26.13.
Variant type: single nucleotide variant.
Coding change: c.226G>T on transcript NM_004725.4 (MANE Select); coding-DNA position 226, G replaced by T.
Protein change: p.Asp76Tyr; replaces aspartic acid 76 with tyrosine.
Molecular consequence: missense variant.
Genome position (GRCh38, 1-based): chr10:123,155,688, G>T. VCF-style: chr10-123155688-G-T. GRCh37 (hg19) VCF-style: chr10-124915204-G-T.
Other names: c.226G>T, p.Asp76Tyr (NM_001007793.3); short protein forms D76Y.
Identifiers: ClinVar variation 1788769 (VCV001788769.2), dbSNP rs2493756726, ClinGen allele CA378625216.
Genomic context (GRCh38, chr10:123,155,688, plus strand): 5'-GTTTTTAAACGGTTCAAAACTATTTTATAGGATCCAACGCATGCCTGGAGTGGAGGACTA[G>T]ATCATCAATTGAAAATGCATGATTTGAACACTGATCAAGGTAATGTGACCATATCTTTAC-3'
Protein context (NP_004716.1, residues 66-86): DPTHAWSGGL[Asp76Tyr]HQLKMHDLNT

ClinVar aggregate classification (germline): Uncertain significance (1 of 4 stars; one submission).

Submission:

Ambry Genetics
Classification: Uncertain significance. Last evaluated: 2021-12-10. Review status: criteria provided, single submitter. Criteria: Ambry Variant Classification Scheme 2023. Collection method: clinical testing. Allele origin: germline.
Comment: The p.D76Y variant (also known as c.226G>T), located in coding exon 2 of the BUB3 gene, results from a G to T substitution at nucleotide position 226. The aspartic acid at codon 76 is replaced by tyrosine, an amino acid with highly dissimilar properties. This amino acid position is conserved. In addition, this alteration is predicted to be deleterious by in silico analysis. Since supporting evidence is limited at this time, the clinical significance of this alteration remains unclear.